The following is an entry in ClinVar:

NM_025179.4(PLXNA2):c.1534_1535delinsTT (p.Glu512Leu)

Gene: PLXNA2 (plexin A2; minus strand). Cytogenetic location: 1q32.2.
Variant type: Indel.
Coding change: c.1534_1535delinsTT on transcript NM_025179.4 (MANE Select); coding-DNA positions 1534 to 1535, GA replaced by TT.
Protein change: p.Glu512Leu; replaces glutamic acid 512 with leucine.
Molecular consequence: missense variant.
Genome position (GRCh38, 1-based): chr1:208,103,219-208,103,220, TC replaced by AA on the plus strand (GA replaced by TT on the coding strand, the reverse complement: PLXNA2 is on the minus strand). VCF-style: chr1-208103219-TC-AA. GRCh37 (hg19) VCF-style: chr1-208276564-TC-AA.
Other names: short protein forms E512L.
Identifiers: ClinVar variation 2761688 (VCV002761688.3), dbSNP rs2526753935, ClinGen allele CA2697554859.

ClinVar aggregate classification (germline): Uncertain significance (1 of 4 stars; one submission).

Submission:

Labcorp Genetics (formerly Invitae), Labcorp
Classification: Uncertain significance. Last evaluated: 2024-02-16. Review status: criteria provided, single submitter. Criteria: Invitae Variant Classification Sherloc (09022015). Collection method: clinical testing. Allele origin: germline.
Comment: This sequence change replaces glutamic acid, which is acidic and polar, with leucine, which is neutral and non-polar, at codon 512 of the PLXNA2 protein (p.Glu512Leu). Information on the frequency of this variant in the gnomAD database is not available, as this variant may be reported differently in the database. This variant has not been reported in the literature in individuals affected with PLXNA2-related conditions. An algorithm developed to predict the effect of missense changes on protein structure and function (PolyPhen-2) suggests that this variant is likely to be tolerated. In summary, the available evidence is currently insufficient to determine the role of this variant in disease. Therefore, it has been classified as a Variant of Uncertain Significance.